The following is an entry in ClinVar:

ClinVar aggregate classification (germline): Uncertain significance (1 of 4 stars; one submission).

Conditions:
Developmental and epileptic encephalopathy, 30 (DEE30). Also called: Epileptic encephalopathy, early infantile, 30. Identifiers: MedGen C4225360, MONDO:0014595, OMIM 616341.

Submission:

Labcorp Genetics (formerly Invitae), Labcorp
Classification: Uncertain significance for Developmental and epileptic encephalopathy, 30. Last evaluated: 2020-01-21. Review status: criteria provided, single submitter. Criteria: Invitae Variant Classification Sherloc (09022015). Collection method: clinical testing. Allele origin: germline.
Comment: In summary, the available evidence is currently insufficient to determine the role of this variant in disease. Therefore, it has been classified as a Variant of Uncertain Significance. Algorithms developed to predict the effect of missense changes on protein structure and function are either unavailable or do not agree on the potential impact of this missense change (SIFT: "Deleterious"; PolyPhen-2: "Probably Damaging"; Align-GVGD: "Class C0"). This variant has not been reported in the literature in individuals with SIK1-related conditions. This variant is not present in population databases (ExAC no frequency). This sequence change replaces valine with methionine at codon 40 of the SIK1 protein (p.Val40Met). The valine residue is moderately conserved and there is a small physicochemical difference between valine and methionine.

NM_173354.5(SIK1):c.118G>A (p.Val40Met)

Gene: SIK1 (salt inducible kinase 1; minus strand). Cytogenetic location: 21q22.3.
Variant type: single nucleotide variant.
Coding change: c.118G>A on transcript NM_173354.5 (MANE Select); coding-DNA position 118, G replaced by A.
Protein change: p.Val40Met; replaces valine 40 with methionine.
Molecular consequence: missense variant.
Genome position (GRCh38, 1-based): chr21:43,426,061, C>T on the plus strand (G>A on the coding strand, the complement: SIK1 is on the minus strand). VCF-style: chr21-43426061-C-T. GRCh37 (hg19) VCF-style: chr21-44845941-C-T.
Other names: short protein forms V40M.
Identifiers: ClinVar variation 834763 (VCV000834763.12), dbSNP rs2081066065, ClinGen allele CA410610973.